The following is an entry in ClinVar:

ClinVar aggregate classification (germline): Uncertain significance (1 of 4 stars; one submission).

Conditions:
Nemaline myopathy 10 (NEM10). Identifiers: MedGen C4015360, MONDO:0014513, OMIM 616165.

Allele frequency attached by ClinVar (database versions not stated): gnomAD exomes below 0.00001; TOPMed below 0.00001.
gnomAD v4.1: 2 of 1,609,966 alleles (0.00012%); highest among the groups gnomAD compares: South Asian, 0.0011%; no homozygotes.

Submission:

Labcorp Genetics (formerly Invitae), Labcorp
Classification: Uncertain significance for Nemaline myopathy 10. Last evaluated: 2022-08-22. Review status: criteria provided, single submitter. Criteria: Invitae Variant Classification Sherloc (09022015). Collection method: clinical testing. Allele origin: germline.
Comment: This sequence change replaces aspartic acid, which is acidic and polar, with glycine, which is neutral and non-polar, at codon 9 of the LMOD3 protein (p.Asp9Gly). This variant is not present in population databases (gnomAD no frequency). This variant has not been reported in the literature in individuals affected with LMOD3-related conditions. Algorithms developed to predict the effect of missense changes on protein structure and function are either unavailable or do not agree on the potential impact of this missense change (SIFT: "Deleterious"; PolyPhen-2: "Possibly Damaging"; Align-GVGD: "Class C0"). In summary, the available evidence is currently insufficient to determine the role of this variant in disease. Therefore, it has been classified as a Variant of Uncertain Significance.

NM_198271.5(LMOD3):c.26A>G (p.Asp9Gly)

Genes: LMOD3 (leiomodin 3; minus strand), LOC126806710 (CDK7 strongly-dependent group 2 enhancer GRCh37_chr3:69170601-69171800; plus strand). Cytogenetic location: 3p14.1.
Variant type: single nucleotide variant.
Coding change: c.26A>G on transcript NM_198271.5 (MANE Select); coding-DNA position 26, A replaced by G.
Protein change: p.Asp9Gly; replaces aspartic acid 9 with glycine.
Molecular consequence: missense variant.
Genome position (GRCh38, 1-based): chr3:69,122,361, T>C on the plus strand (A>G on the coding strand, the complement: LMOD3 is on the minus strand). VCF-style: chr3-69122361-T-C. GRCh37 (hg19) VCF-style: chr3-69171512-T-C.
Other names: c.26A>G, p.Asp9Gly (NM_001304418.3); short protein forms D9G.
Identifiers: ClinVar variation 1717611 (VCV001717611.3), dbSNP rs2092412987, ClinGen allele CA353479937.